The following is an entry in ClinVar:

NM_004655.4(AXIN2):c.32C>G (p.Pro11Arg)

Gene: AXIN2 (axin 2; minus strand). Cytogenetic location: 17q24.1.
Variant type: single nucleotide variant.
Coding change: c.32C>G on transcript NM_004655.4 (MANE Select); coding-DNA position 32, C replaced by G.
Protein change: p.Pro11Arg; replaces proline 11 with arginine.
Molecular consequence: missense variant.
Genome position (GRCh38, 1-based): chr17:65,558,589, G>C on the plus strand (C>G on the coding strand, the complement: AXIN2 is on the minus strand). VCF-style: chr17-65558589-G-C. GRCh37 (hg19) VCF-style: chr17-63554707-G-C.
Other names: c.32C>G, p.Pro11Arg (NM_001363813.1); short protein forms P11R.
Identifiers: ClinVar variation 3470706 (VCV003470706.1).

ClinVar aggregate classification (germline): Uncertain significance (1 of 4 stars; one submission).

Conditions:
Hereditary cancer-predisposing syndrome. Also called: Tumor predisposition; Neoplastic Syndromes, Hereditary; Hereditary neoplastic syndrome; Hereditary Cancer Syndrome. Identifiers: Orphanet 140162, MedGen C0027672, MeSH D009386, MONDO:0015356.

Submission:

Ambry Genetics
Classification: Uncertain significance for Hereditary cancer-predisposing syndrome. Last evaluated: 2024-10-29. Review status: criteria provided, single submitter. Criteria: Ambry Variant Classification Scheme 2023. Collection method: clinical testing. Allele origin: germline.
Comment: The p.P11R variant (also known as c.32C>G), located in coding exon 1 of the AXIN2 gene, results from a C to G substitution at nucleotide position 32. The proline at codon 11 is replaced by arginine, an amino acid with dissimilar properties. This amino acid position is conserved. In addition, this alteration is predicted to be tolerated by in silico analysis. Based on the available evidence, the clinical significance of this variant remains unclear.